The following is an entry in ClinVar:

NC_000005.10:g.112707456G>T

Gene: APC (APC regulator of Wnt signaling pathway; plus strand). Cytogenetic location: 5q22.2.
Variant type: single nucleotide variant.
Genome position: GRCh38 VCF-style: chr5-112707456-G-T. GRCh37 (hg19) VCF-style: chr5-112043153-G-T.
Identifiers: ClinVar variation 1481334 (VCV001481334.5), dbSNP rs1750564175, ClinGen allele CA2573138765.
Genomic context (GRCh38, chr5:112,707,456, plus strand): 5'-CGAAGCAGTGCCCGGCAAGCGGAGCGCAGCACCCATTGCGCCTGCGCATAACAGGCTCTA[G>T]TCTCCGGGCTGTGGGAAGCCAGCAACACCTCTCACGCATGCGCATTGTAGTCTTCCCACC-3'

ClinVar aggregate classification (germline): Uncertain significance (1 of 4 stars; one submission).

Conditions:
Familial adenomatous polyposis 1 (FAP1). Also called: FAMILIAL ADENOMATOUS POLYPOSIS 1, ATTENUATED; POLYPOSIS, ADENOMATOUS INTESTINAL. Identifiers: MedGen C2713442, MONDO:0021056, OMIM 175100. Disease mechanism: loss of function.

Submission:

Labcorp Genetics (formerly Invitae), Labcorp
Classification: Uncertain significance for Familial adenomatous polyposis 1. Last evaluated: 2025-07-09. Review status: criteria provided, single submitter. Criteria: Invitae Variant Classification Sherloc (09022015). Collection method: clinical testing. Allele origin: germline.
Comment: This variant occurs in a non-coding region of the APC gene. It does not change the encoded amino acid sequence of the APC protein. This variant is not present in population databases (gnomAD no frequency). This variant has not been reported in the literature in individuals affected with APC-related conditions. Experimental studies and prediction algorithms are not available or were not evaluated, and the functional significance of this variant is currently unknown. In summary, the available evidence is currently insufficient to determine the role of this variant in disease. Therefore, it has been classified as a Variant of Uncertain Significance.